The following is an entry in ClinVar:

ClinVar aggregate classification (germline): Conflicting classifications of pathogenicity. Review status: criteria provided, conflicting classifications (1 of 4 stars). 2 submissions from 2 submitters: Uncertain significance (1); Likely benign (1). Last evaluated 2023-02-14.

Conditions:
Inborn genetic diseases. Identifiers: MedGen C0950123, MeSH D030342.

Allele frequency attached by ClinVar (database versions not stated): gnomAD 0.00001; ESP Exome Variant Server 0.00008.
gnomAD v4.1: 20 of 1,613,822 alleles (0.0012%); highest among the groups gnomAD compares: Middle Eastern, 0.016%; no homozygotes.

Submissions (2):

Ambry Genetics
Classification: Likely benign for Inborn genetic diseases. Last evaluated: 2023-02-14. Review status: criteria provided, single submitter. Criteria: Ambry Variant Classification Scheme 2023. Collection method: clinical testing. Allele origin: germline.

Labcorp Genetics (formerly Invitae), Labcorp
Classification: Uncertain significance. Last evaluated: 2022-07-12. Review status: criteria provided, single submitter. Criteria: Invitae Variant Classification Sherloc (09022015). Collection method: clinical testing. Allele origin: germline.
Comment: This sequence change replaces methionine, which is neutral and non-polar, with valine, which is neutral and non-polar, at codon 543 of the PLK4 protein (p.Met543Val). This variant is present in population databases (rs374263658, gnomAD 0.004%). This variant has not been reported in the literature in individuals affected with PLK4-related conditions. ClinVar contains an entry for this variant (Variation ID: 1377348). Algorithms developed to predict the effect of missense changes on protein structure and function output the following: SIFT: "Tolerated"; PolyPhen-2: "Benign"; Align-GVGD: "Class C0". The valine amino acid residue is found in multiple mammalian species, which suggests that this missense change does not adversely affect protein function. In summary, the available evidence is currently insufficient to determine the role of this variant in disease. Therefore, it has been classified as a Variant of Uncertain Significance.

NM_014264.5(PLK4):c.1627A>G (p.Met543Val)

Gene: PLK4 (polo like kinase 4; plus strand). Cytogenetic location: 4q28.1.
Variant type: single nucleotide variant.
Coding change: c.1627A>G on transcript NM_014264.5 (MANE Select); coding-DNA position 1627, A replaced by G.
Protein change: p.Met543Val; replaces methionine 543 with valine.
Molecular consequence: missense variant.
Genome position (GRCh38, 1-based): chr4:127,890,033, A>G. VCF-style: chr4-127890033-A-G. GRCh37 (hg19) VCF-style: chr4-128811188-A-G.
Other names: c.1531A>G, p.Met511Val (NM_001190799.2); c.1504A>G, p.Met502Val (NM_001190801.2); c.1627A>G (NM_014264.4); short protein forms M511V, M543V, M502V.
Identifiers: ClinVar variation 1377348 (VCV001377348.6), dbSNP rs374263658, ClinGen allele CA3076816.